The following is an entry in ClinVar:

ClinVar aggregate classification (germline): Likely pathogenic (1 of 4 stars; one submission).

Conditions:
Autosomal recessive limb-girdle muscular dystrophy type 2A (LGMDR1). Also called: LEYDEN-MOEBIUS MUSCULAR DYSTROPHY; MUSCULAR DYSTROPHY, PELVOFEMORAL; Limb-girdle muscular dystrophy, type 2A; Calpainopathy; Muscular dystrophy, limb-girdle, type 2A, Amish. Identifiers: Orphanet 267, MedGen C1869123, MONDO:0009675, OMIM 253600. Disease mechanism: loss of function.

Submission:

Labcorp Genetics (formerly Invitae), Labcorp
Classification: Likely pathogenic for Autosomal recessive limb-girdle muscular dystrophy type 2A. Last evaluated: 2017-04-18. Review status: criteria provided, single submitter. Criteria: Invitae Variant Classification Sherloc (09022015). Collection method: clinical testing. Allele origin: germline.
Comment: This variant is an in-frame deletion of the genomic region encompassing exons 17-19 of the CAPN3 gene. It preserves the integrity of the reading frame. This variant has not been reported in the literature in individuals with a CAPN3-related disease. This deletion removes a calcium binding EF hand domain of the calpain 3 protein. The proper binding of calcium has been reported to be necessary for proper protease function (PMID: 24846670). A missense mutation (p.Asp705Gly) located at an amino acid residue that binds calcium has been reported to be pathogenic and is located within this deleted region (PMID: 15138196, 21624972). Â¬â€ This suggests that the deleted region is critical for proper CAPN3 protein function In summary, this variant is a novel gross deletion that removes a region of the gene that is functionally important. This evidence indicates that the variant is pathogenic, but additional data is needed to prove that conclusively. Therefore, this variant has been classified as Likely Pathogenic.

NC_000015.10:g.(?_42409283)_(42410015_?)del

Gene: CAPN3 (calpain 3; plus strand). Cytogenetic location: 15q15.1.
Variant type: Deletion.
Identifiers: ClinVar variation 468638 (VCV000468638.1).